The following is an entry in ClinVar:

ClinVar aggregate classification (germline): Uncertain significance. Review status: criteria provided, multiple submitters, no conflicts (2 of 4 stars). 2 submissions from 2 submitters: Uncertain significance (2). Last evaluated 2025-03-17.

Allele frequency attached by ClinVar (database versions not stated): ExAC 0.00002.
gnomAD v4.1: 8 of 1,612,866 alleles (0.0005%); highest among the groups gnomAD compares: Non-Finnish European, 0.00068%; no homozygotes.

Submissions (2):

Labcorp Genetics (formerly Invitae), Labcorp
Classification: Uncertain significance. Last evaluated: 2025-03-17. Review status: criteria provided, single submitter. Criteria: Invitae Variant Classification Sherloc (09022015). Collection method: clinical testing. Allele origin: germline.
Comment: This sequence change replaces histidine, which is basic and polar, with glutamine, which is neutral and polar, at codon 319 of the CDHR1 protein (p.His319Gln). This variant is present in population databases (rs748565690, gnomAD 0.002%). This variant has not been reported in the literature in individuals affected with CDHR1-related conditions. ClinVar contains an entry for this variant (Variation ID: 1372093). Invitae Evidence Modeling of protein sequence and biophysical properties (such as structural, functional, and spatial information, amino acid conservation, physicochemical variation, residue mobility, and thermodynamic stability) indicates that this missense variant is not expected to disrupt CDHR1 protein function with a negative predictive value of 80%. In summary, the available evidence is currently insufficient to determine the role of this variant in disease. Therefore, it has been classified as a Variant of Uncertain Significance.

Blueprint Genetics
Classification: Uncertain significance. Last evaluated: 2022-06-20. Review status: criteria provided, single submitter. Criteria: ACMG Guidelines, 2015. Collection method: clinical testing. Allele origin: germline.

NM_033100.4(CDHR1):c.957T>A (p.His319Gln)

Gene: CDHR1 (cadherin related family member 1; plus strand). Cytogenetic location: 10q23.1.
Variant type: single nucleotide variant.
Coding change: c.957T>A on transcript NM_033100.4 (MANE Select); coding-DNA position 957, T replaced by A.
Protein change: p.His319Gln; replaces histidine 319 with glutamine.
Molecular consequence: missense variant.
Genome position (GRCh38, 1-based): chr10:84,205,921, T>A. VCF-style: chr10-84205921-T-A. GRCh37 (hg19) VCF-style: chr10-85965677-T-A.
Other names: c.957T>A, p.His319Gln (NM_001171971.3); short protein forms H319Q.
Identifiers: ClinVar variation 1372093 (VCV001372093.9), dbSNP rs748565690, ClinGen allele CA5579782.